The following is an entry in ClinVar:

ClinVar aggregate classification (germline): Uncertain significance (1 of 4 stars; one submission).

Allele frequency attached by ClinVar (database versions not stated): gnomAD exomes 0.00001 and 0.00002; ExAC 0.00002; gnomAD 0.00006; TOPMed 0.00006; ESP Exome Variant Server 0.00008.
gnomAD v4.1: 18 of 1,613,748 alleles (0.0011%); highest among the groups gnomAD compares: African/African-American, 0.021%; no homozygotes.

Submission:

Labcorp Genetics (formerly Invitae), Labcorp
Classification: Uncertain significance. Last evaluated: 2022-05-05. Review status: criteria provided, single submitter. Criteria: Invitae Variant Classification Sherloc (09022015). Collection method: clinical testing. Allele origin: germline.
Comment: This sequence change replaces isoleucine, which is neutral and non-polar, with asparagine, which is neutral and polar, at codon 181 of the CYP4V2 protein (p.Ile181Asn). This variant is present in population databases (rs138297987, gnomAD 0.01%). This variant has not been reported in the literature in individuals affected with CYP4V2-related conditions. Advanced modeling of protein sequence and biophysical properties (such as structural, functional, and spatial information, amino acid conservation, physicochemical variation, residue mobility, and thermodynamic stability) performed at Invitae indicates that this missense variant is not expected to disrupt CYP4V2 protein function. In summary, the available evidence is currently insufficient to determine the role of this variant in disease. Therefore, it has been classified as a Variant of Uncertain Significance.

NM_207352.4(CYP4V2):c.542T>A (p.Ile181Asn)

Gene: CYP4V2 (cytochrome P450 family 4 subfamily V member 2; plus strand). Cytogenetic location: 4q35.1.
Variant type: single nucleotide variant.
Coding change: c.542T>A on transcript NM_207352.4 (MANE Select); coding-DNA position 542, T replaced by A.
Protein change: p.Ile181Asn; replaces isoleucine 181 with asparagine.
Molecular consequence: missense variant.
Genome position (GRCh38, 1-based): chr4:186,197,068, T>A. VCF-style: chr4-186197068-T-A. GRCh37 (hg19) VCF-style: chr4-187118222-T-A.
Other names: short protein forms I181N.
Identifiers: ClinVar variation 1466330 (VCV001466330.3), dbSNP rs138297987, ClinGen allele CA3162580.
Genomic context (GRCh38, chr4:186,197,068, plus strand): 5'-ATTTCTTAGATATCATGAATGAACAAGCAAATATATTGGTTAAGAAACTTGAAAAACACA[T>A]TAACCAAGAAGCATTTAACTGCTTTTTTTACATCACTCTTTGTGCCTTAGATATCATCTG-3'
Protein context (NP_997235.3, residues 171-191): NILVKKLEKH[Ile181Asn]NQEAFNCFFY